The following is an entry in ClinVar:

ClinVar aggregate classification (germline): Likely pathogenic. Review status: reviewed by expert panel (3 of 4 stars). 4 submissions from 4 submitters: Likely pathogenic (1). 3 of the submissions do not count toward it. Last evaluated 2023-08-28.

Conditions:
CDH1-related diffuse gastric and lobular breast cancer syndrome. Also called: CDH1-related diffuse gastric and lobular breast cancer. Identifiers: MedGen CN311521, MONDO:0100488.
Hereditary cancer-predisposing syndrome. Also called: Hereditary neoplastic syndrome; Neoplastic Syndromes, Hereditary; Tumor predisposition; Hereditary Cancer Syndrome. Identifiers: Orphanet 140162, MedGen C0027672, MeSH D009386, MONDO:0015356.
Hereditary diffuse gastric adenocarcinoma (HDGC). Also called: DIFFUSE GASTRIC AND LOBULAR BREAST CANCER SYNDROME. Identifiers: Orphanet 26106, MedGen C1708349, MONDO:0007648, OMIM 137215.

Submissions (4):

Clingen Gastric Cancer Variant Curation Expert Panel
Classification: Likely pathogenic for CDH1-related diffuse gastric and lobular breast cancer syndrome. Last evaluated: 2023-08-28. Review status: reviewed by expert panel. Criteria: ClinGen CDH1 ACMG Specifications V3.1. Collection method: curation. Allele origin: germline. Inheritance: Autosomal dominant inheritance.
Comment: The c.1008G>T (p.Glu336Asp) variant results in a G to non-G change at the last nucleotide of an exon (PVS1_Moderate). This variant is absent in the gnomAD cohort (PM2_Supporting). There is an RNA assay demonstrating an abnormal out-of-frame transcript for this variant (PS3; PMID: 9537325). Additionally, the variant has also been reported in at least one family meeting HDGC clinical criteria (PS4_Supporting; PMID: 9537325). In summary, this variant meets criteria to be classified as pathogenic based on the ACMG/AMP criteria applied as specified by the CDH1 Variant Curation Expert Panel (Variant Interpretation Guidelines Version 3.1): PVS1_Moderate, PM2_Supporting, PS3, PS4_Supporting.

Ambry Genetics
Classification: Pathogenic for Hereditary cancer-predisposing syndrome. Last evaluated: 2024-06-18. Review status: criteria provided, single submitter. Criteria: Ambry Variant Classification Scheme 2023. Collection method: clinical testing. Allele origin: germline. Not counted in ClinVar's aggregate classification.
Comment: The c.1008G>T pathogenic mutation (also known as p.E336D), located in coding exon 7 of the CDH1 gene, results from a G to T substitution at nucleotide position 1008. This change occurs in the last base pair of coding exon 7, which makes it likely to have some effect on normal mRNA splicing. In addition to potential splicing impact, this alteration changes the glutamic acid at codon 336 to aspartic acid, an amino acid with highly similar properties. This alteration segregated with disease in a family with hereditary diffuse gastric cancer, and RT-PCR studies demonstrated a 7 base pair insertion between the normal splice donor site and an adjacent cryptic splice site (Guilford P et al. Nature 1998 Mar;392:402-5). Internal RNA splicing analyses confirmed this out-of-frame 7 base pair insertion and showed additional out-of-frame transcripts containing a 25 base pair insertion and an insertion of intron 7 (Ambry internal data). Based on the supporting evidence, this alteration is interpreted as a disease-causing mutation.

GeneDx
Classification: Likely pathogenic. Last evaluated: 2024-01-23. Review status: criteria provided, single submitter. Criteria: GeneDx Variant Classification Process June 2021. Collection method: clinical testing. Allele origin: germline. Affected: yes. Not counted in ClinVar's aggregate classification.
Comment: Not observed at significant frequency in large population cohorts (gnomAD); Alters the last nucleotide of the exon and is predicted to destroy the splice donor site and result in aberrant splicing; Identified in several individuals with diffuse gastric cancer, and reported to segregate with disease in affected kindreds (PMID: 19223545, 26182300, 9537325, 31642931); This variant is associated with the following publications: (PMID: 25525159, 8127895, 28460635, 35882702, 23709761, 30311375, 32963463, 15235021, 22850631, 31642931, 30745422, 9537325, 36063148, 29468433, 19725995, 25184143, 30661051, 26182300, 15138207, 15753528, 9744472, 19223545, 30547291)

OMIM
Classification: Pathogenic for DIFFUSE GASTRIC AND LOBULAR BREAST CANCER SYNDROME. Last evaluated: 1998-03-26. Review status: no assertion criteria provided. Collection method: literature only. Allele origin: unknown. Not counted in ClinVar's aggregate classification.

Literature cited by the submitters: PubMed 9537325 (cited by 3 submitters); PubMed 19223545 (cited by Ambry Genetics); PubMed 23709761 (cited by Ambry Genetics); PubMed 14158754 (cited by OMIM); PubMed 8127895 (cited by OMIM).

NM_004360.5(CDH1):c.1008G>T (p.Glu336Asp)

Gene: CDH1 (cadherin 1; plus strand). Cytogenetic location: 16q22.1.
Variant type: single nucleotide variant.
Coding change: c.1008G>T on transcript NM_004360.5 (MANE Select); coding-DNA position 1008, G replaced by T.
Protein change: p.Glu336Asp; replaces glutamic acid 336 with aspartic acid.
Molecular consequence: missense variant. On other transcripts: 5 prime UTR variant (2).
Genome position (GRCh38, 1-based): chr16:68,811,859, G>T. VCF-style: chr16-68811859-G-T. GRCh37 (hg19) VCF-style: chr16-68845762-G-T.
Other names: NM_004360.4(CDH1):c.1008G>T; 1008G-T; c.1008G>T, p.Glu336Asp (NM_001317184.2); c.-608G>T (NM_001317185.2); c.-812G>T (NM_001317186.2); c.1008G>T (LRG_301t1); short protein forms E336D.
Identifiers: ClinVar variation 18453 (VCV000018453.12), dbSNP rs267606712, ClinGen allele CA280990.